The following is an entry in ClinVar:

ClinVar aggregate classification (germline): Uncertain significance (1 of 4 stars; one submission).

gnomAD v4.1: 2 of 1,607,310 alleles (0.00012%); highest among the groups gnomAD compares: Non-Finnish European, 0.000085%; no homozygotes.

Submission:

CeGaT Center for Human Genetics Tuebingen
Classification: Uncertain significance. Last evaluated: 2025-06-01. Review status: criteria provided, single submitter. Criteria: CeGaT Center For Human Genetics Tuebingen Variant Classification Criteria Version 2. Collection method: clinical testing. Allele origin: germline. Affected: yes. Observed: 1 variant allele.
Comment: STUB1: PM2:Supporting, BP4

NM_005861.4(STUB1):c.518G>A (p.Arg173His)

Gene: STUB1 (STIP1 homology and U-box containing protein 1; plus strand). Cytogenetic location: 16p13.3.
Variant type: single nucleotide variant.
Coding change: c.518G>A on transcript NM_005861.4 (MANE Select); coding-DNA position 518, G replaced by A.
Protein change: p.Arg173His; replaces arginine 173 with histidine.
Molecular consequence: missense variant.
Genome position (GRCh38, 1-based): chr16:681,597, G>A. VCF-style: chr16-681597-G-A. GRCh37 (hg19) VCF-style: chr16-731597-G-A.
Other names: c.302G>A, p.Arg101His (NM_001293197.2); short protein forms R101H, R173H.
Identifiers: ClinVar variation 4084958 (VCV004084958.8).
Genomic context (GRCh38, chr16:681,597, plus strand): 5'-GGCGCATCCACCAGGAGAGCGAGCTGCACTCCTACCTCTCCAGGCTCATTGCCGCGGAGC[G>A]TGAGAGGTGGGACCCTCACCCCAGGCCGCCCTGTCTTGGGATAATTCTGAATCACCGACT-3'
Protein context (NP_005852.2, residues 163-183): SYLSRLIAAE[Arg173His]ERELEECQRN